The following is an entry in ClinVar:

NM_001370259.2(MEN1):c.460dup (p.Ser154fs)

Gene: MEN1 (menin 1; minus strand). Cytogenetic location: 11q13.1.
Variant type: Duplication.
Coding change: c.460dup on transcript NM_001370259.2 (MANE Select); coding-DNA position 460, one base duplicated (A; older notation c.460dupA).
Protein change: p.Ser154fs; shifts the reading frame from serine 154.
Molecular consequence: frameshift variant. On other transcripts: non-coding transcript variant (4).
Genome position (GRCh38, 1-based): chr11:64,808,085, T duplicated on the plus strand (A on the coding strand, the reverse complement: MEN1 is on the minus strand). VCF-style (leftmost placement, unchanged base first): chr11-64808084-C-CT. GRCh37 (hg19) VCF-style: chr11-64575556-C-CT.
Other names: c.460dup, p.Ser154fs (NM_001370251.2, NM_001370260.2, NM_001370261.2 and 12 more transcripts); c.475dup, p.Ser159fs (NM_001407145.1, NM_001407150.1, NM_130800.3 and 5 more transcripts); short protein forms S154fs, S159fs.
Identifiers: ClinVar variation 4727664 (VCV004727664.1).

ClinVar aggregate classification (germline): Pathogenic (1 of 4 stars; one submission).

Conditions:
Multiple endocrine neoplasia, type 1 (MEN1). Also called: Endocrine adenomatosis multiple; MEN 1; MEA I; MEN I; WERMER SYNDROME. Identifiers: Orphanet 652, MedGen C0025267, MeSH D018761, MONDO:0007540, OMIM 131100.

Submission:

Labcorp Genetics (formerly Invitae), Labcorp
Classification: Pathogenic for Multiple endocrine neoplasia, type 1. Last evaluated: 2025-09-22. Review status: criteria provided, single submitter. Criteria: Invitae Variant Classification Sherloc (09022015). Collection method: clinical testing. Allele origin: germline.
Comment: This sequence change creates a premature translational stop signal (p.Ser154Lysfs*26) in the MEN1 gene. It is expected to result in an absent or disrupted protein product. Loss-of-function variants in MEN1 are known to be pathogenic (PMID: 12112656, 17853334). This variant is not present in population databases (gnomAD no frequency). This variant has not been reported in the literature in individuals affected with MEN1-related conditions. For these reasons, this variant has been classified as Pathogenic.

Literature cited by the submitters: PubMed 12112656; PubMed 17853334.